The following is an entry in ClinVar:

ClinVar aggregate classification (germline): Uncertain significance (1 of 4 stars; one submission).

Conditions:
Severe combined immunodeficiency due to DCLRE1C deficiency (RS-SCID). Also called: SCID, AUTOSOMAL RECESSIVE, T CELL-NEGATIVE, B CELL-NEGATIVE, NK CELL-POSITIVE, WITH SENSITIVITY TO IONIZING RADIATION. Identifiers: Orphanet 275, MedGen C1865371, MONDO:0011225, OMIM 602450.

Allele frequency attached by ClinVar (database versions not stated): TOPMed below 0.00001; gnomAD 0.00001.
gnomAD v4.1: 1 of 1,614,078 alleles (0.000062%); highest among the groups gnomAD compares: Non-Finnish European, 0.000085%; no homozygotes.

Submission:

Labcorp Genetics (formerly Invitae), Labcorp
Classification: Uncertain significance for Athabaskan severe combined immunodeficiency. Last evaluated: 2022-10-19. Review status: criteria provided, single submitter. Criteria: Invitae Variant Classification Sherloc (09022015). Collection method: clinical testing. Allele origin: germline.
Comment: This sequence change replaces methionine, which is neutral and non-polar, with isoleucine, which is neutral and non-polar, at codon 441 of the DCLRE1C protein (p.Met441Ile). This variant is not present in population databases (gnomAD no frequency). This variant has not been reported in the literature in individuals affected with DCLRE1C-related conditions. Advanced modeling of protein sequence and biophysical properties (such as structural, functional, and spatial information, amino acid conservation, physicochemical variation, residue mobility, and thermodynamic stability) performed at Invitae indicates that this missense variant is not expected to disrupt DCLRE1C protein function. In summary, the available evidence is currently insufficient to determine the role of this variant in disease. Therefore, it has been classified as a Variant of Uncertain Significance.

NM_001033855.3(DCLRE1C):c.1323G>A (p.Met441Ile)

Gene: DCLRE1C (DNA cross-link repair 1C; minus strand). Cytogenetic location: 10p13.
Variant type: single nucleotide variant.
Coding change: c.1323G>A on transcript NM_001033855.3 (MANE Select); coding-DNA position 1323, G replaced by A.
Protein change: p.Met441Ile; replaces methionine 441 with isoleucine.
Molecular consequence: missense variant. On other transcripts: non-coding transcript variant (4).
Genome position (GRCh38, 1-based): chr10:14,909,164, C>T on the plus strand (G>A on the coding strand, the complement: DCLRE1C is on the minus strand). VCF-style: chr10-14909164-C-T. GRCh37 (hg19) VCF-style: chr10-14951163-C-T.
Other names: c.963G>A, p.Met321Ile (NM_001033857.3, NM_001033858.3, NM_001289077.2 and 2 more transcripts); c.978G>A, p.Met326Ile (NM_001289076.2, NM_001289078.2, NM_001350966.2 and 1 more transcripts); c.1323G>A, p.Met441Ile (NM_001350965.2); short protein forms M321I, M326I, M441I.
Identifiers: ClinVar variation 2803622 (VCV002803622.3), dbSNP rs1289284662, ClinGen allele CA376076041.